The following is an entry in ClinVar:

NM_006231.4(POLE):c.2882A>G (p.Glu961Gly)

Gene: POLE (DNA polymerase epsilon, catalytic subunit; minus strand). Cytogenetic location: 12q24.33.
Variant type: single nucleotide variant.
Coding change: c.2882A>G on transcript NM_006231.4 (MANE Select); coding-DNA position 2882, A replaced by G.
Protein change: p.Glu961Gly; replaces glutamic acid 961 with glycine.
Molecular consequence: missense variant.
Genome position (GRCh38, 1-based): chr12:132,661,147, T>C on the plus strand (A>G on the coding strand, the complement: POLE is on the minus strand). VCF-style: chr12-132661147-T-C. GRCh37 (hg19) VCF-style: chr12-133237733-T-C.
Other names: c.2882A>G (NM_006231.2); short protein forms E961G.
Identifiers: ClinVar variation 1388661 (VCV001388661.9), dbSNP rs2138692352, ClinGen allele CA387392921.

ClinVar aggregate classification (germline): Uncertain significance. Review status: criteria provided, multiple submitters, no conflicts (2 of 4 stars). 3 submissions from 3 submitters: Uncertain significance (3). Last evaluated 2025-01-14.

Conditions:
Hereditary cancer-predisposing syndrome. Also called: Hereditary Cancer Syndrome; Tumor predisposition; Neoplastic Syndromes, Hereditary; Hereditary neoplastic syndrome. Identifiers: Orphanet 140162, MedGen C0027672, MeSH D009386, MONDO:0015356.

Submissions (3):

Ambry Genetics
Classification: Uncertain significance for Hereditary cancer-predisposing syndrome. Last evaluated: 2025-01-14. Review status: criteria provided, single submitter. Criteria: Ambry Variant Classification Scheme 2023. Collection method: clinical testing. Allele origin: germline.
Comment: The p.E961G variant (also known as c.2882A>G), located in coding exon 25 of the POLE gene, results from an A to G substitution at nucleotide position 2882. The glutamic acid at codon 961 is replaced by glycine, an amino acid with similar properties. This amino acid position is conserved. In addition, the in silico prediction for this alteration is inconclusive. Based on the available evidence, the clinical significance of this variant remains unclear.

GeneDx
Classification: Uncertain significance. Last evaluated: 2024-12-30. Review status: criteria provided, single submitter. Criteria: GeneDx Variant Classification Process June 2021. Collection method: clinical testing. Allele origin: germline.
Comment: Not observed at significant frequency in large population cohorts (gnomAD); In silico analysis indicates that this missense variant does not alter protein structure/function; Has not been previously published as pathogenic or benign to our knowledge; This variant is associated with the following publications: (PMID: 20951805)

Labcorp Genetics (formerly Invitae), Labcorp
Classification: Uncertain significance. Last evaluated: 2022-11-06. Review status: criteria provided, single submitter. Criteria: Invitae Variant Classification Sherloc (09022015). Collection method: clinical testing. Allele origin: germline.
Comment: In summary, the available evidence is currently insufficient to determine the role of this variant in disease. Therefore, it has been classified as a Variant of Uncertain Significance. Advanced modeling of protein sequence and biophysical properties (such as structural, functional, and spatial information, amino acid conservation, physicochemical variation, residue mobility, and thermodynamic stability) performed at Invitae indicates that this missense variant is not expected to disrupt POLE protein function. ClinVar contains an entry for this variant (Variation ID: 1388661). This variant has not been reported in the literature in individuals affected with POLE-related conditions. This variant is not present in population databases (gnomAD no frequency). This sequence change replaces glutamic acid, which is acidic and polar, with glycine, which is neutral and non-polar, at codon 961 of the POLE protein (p.Glu961Gly).